The following is an entry in ClinVar:

NM_001367624.2(ZNF469):c.4952A>G (p.Gln1651Arg)

Gene: ZNF469 (zinc finger protein 469; plus strand). Cytogenetic location: 16q24.2.
Variant type: single nucleotide variant.
Coding change: c.4952A>G on transcript NM_001367624.2 (MANE Select); coding-DNA position 4952, A replaced by G.
Protein change: p.Gln1651Arg; replaces glutamine 1651 with arginine.
Molecular consequence: missense variant.
Genome position (GRCh38, 1-based): chr16:88,432,422, A>G. VCF-style: chr16-88432422-A-G. GRCh37 (hg19) VCF-style: chr16-88498830-A-G.
Other names: NM_001127464.1:c.4868A>G; NM_001127464.2:c.4868A>G; short protein forms Q1651R.
Identifiers: ClinVar variation 195119 (VCV000195119.42), dbSNP rs773925755, ClinGen allele CA241396.
Genomic context (GRCh38, chr16:88,432,422, plus strand): 5'-GAGAATCCACTGCACATCGGGAGGGTGCGGAATCGGCTGTGGCCACCGTGGAAGCGGTTC[A>G]GGGGAGGCCTGGGGGGACGTGGCCCTGCCCAGCCTCCTTCCATCCGGGACATGCAGCCCT-3'
Protein context (NP_001354553.1, residues 1641-1661): ESAVATVEAV[Gln1651Arg]GRPGGTWPCP

ClinVar aggregate classification (germline): Conflicting classifications of pathogenicity. Review status: criteria provided, conflicting classifications (1 of 4 stars). 9 submissions from 9 submitters: Uncertain significance (4); Likely benign (5). Last evaluated 2024-12-27.

Conditions:
ZNF469-related disorder. Also called: ZNF469-related condition.
Cardiovascular phenotype. Identifiers: MedGen CN230736.
Ehlers-Danlos syndrome (EDS). Identifiers: Orphanet 98249, MedGen C0013720, MONDO:0020066.
Brittle cornea syndrome 1 (BCS1). Also called: Corneal fragility keratoglobus, blue sclerae AND joint hypermobility; FRAGILITAS OCULI WITH JOINT HYPEREXTENSIBILITY; CORNEAL FRAGILITY, KERATOGLOBUS, BLUE SCLERAE, JOINT HYPEREXTENSIBILITY; EDS6B; DYSGENESIS MESODERMALIS CORNEAE ET SCLERAE. Identifiers: Orphanet 90354, MedGen C0268344, MONDO:0024543, OMIM 229200.

Allele frequency attached by ClinVar (database versions not stated): gnomAD exomes 0.00033 and 0.00045; gnomAD 0.00034 and 0.00037; TOPMed 0.00041; ExAC 0.00043.
gnomAD v4.1: 568 of 1,550,174 alleles (0.037%); highest among the groups gnomAD compares: Middle Eastern, 0.77%; 2 homozygotes.

Submissions (9):

PreventionGenetics, part of Exact Sciences
Classification: Likely benign for ZNF469-related condition. Last evaluated: 2024-12-27. Review status: criteria provided, single submitter. Criteria: ACMG Guidelines, 2015. Collection method: clinical testing. Allele origin: germline.
Comment: This variant is classified as likely benign based on ACMG/AMP sequence variant interpretation guidelines (Richards et al. 2015 PMID: 25741868, with internal and published modifications).

Blueprint Genetics
Classification: Likely benign. Last evaluated: 2024-10-21. Review status: criteria provided, single submitter. Criteria: ACMG Guidelines, 2015. Collection method: clinical testing. Allele origin: germline.

CeGaT Center for Human Genetics Tuebingen
Classification: Likely benign. Last evaluated: 2024-04-01. Review status: criteria provided, single submitter. Criteria: CeGaT Center For Human Genetics Tuebingen Variant Classification Criteria Version 2. Collection method: clinical testing. Allele origin: germline. Affected: yes. Observed: 3 variant alleles.
Comment: ZNF469: BP4

Labcorp Genetics (formerly Invitae), Labcorp
Classification: Uncertain significance. Last evaluated: 2022-08-31. Review status: criteria provided, single submitter. Criteria: Invitae Variant Classification Sherloc (09022015). Collection method: clinical testing. Allele origin: germline.
Comment: This sequence change replaces glutamine, which is neutral and polar, with arginine, which is basic and polar, at codon 1623 of the ZNF469 protein (p.Gln1623Arg). This variant is present in population databases (rs773925755, gnomAD 0.2%). This variant has not been reported in the literature in individuals affected with ZNF469-related conditions. ClinVar contains an entry for this variant (Variation ID: 195119). Algorithms developed to predict the effect of missense changes on protein structure and function output the following: SIFT: "Tolerated"; PolyPhen-2: "Benign"; Align-GVGD: "Class C0". The arginine amino acid residue is found in multiple mammalian species, which suggests that this missense change does not adversely affect protein function. In summary, the available evidence is currently insufficient to determine the role of this variant in disease. Therefore, it has been classified as a Variant of Uncertain Significance.

Genome Diagnostics Laboratory, The Hospital for Sick Children
Classification: Uncertain significance for Ehlers-Danlos syndrome. Last evaluated: 2022-01-17. Review status: criteria provided, single submitter. Criteria: ACMG Guidelines, 2015. Collection method: clinical testing. Allele origin: germline.

Ambry Genetics
Classification: Likely benign for Cardiovascular phenotype. Last evaluated: 2021-08-26. Review status: criteria provided, single submitter. Criteria: Ambry Variant Classification Scheme 2023. Collection method: clinical testing. Allele origin: germline.

GeneDx
Classification: Likely benign. Last evaluated: 2021-03-01. Review status: criteria provided, single submitter. Criteria: GeneDx Variant Classification Process June 2021. Collection method: clinical testing. Allele origin: germline. Affected: yes.
Comment: This variant is associated with the following publications: (PMID: 28377322)

Fulgent Genetics
Classification: Uncertain significance for Brittle cornea syndrome 1. Last evaluated: 2018-10-31. Review status: criteria provided, single submitter. Criteria: ACMG Guidelines, 2015. Collection method: clinical testing. Allele origin: unknown.

Eurofins Ntd Llc (ga)
Classification: Uncertain significance. Last evaluated: 2015-04-02. Review status: criteria provided, single submitter. Criteria: EGL Classification Definitions 2015. Collection method: clinical testing. Allele origin: germline. Observed: 1 variant allele, 1 heterozygote.

Literature cited by the submitters: PubMed 28377322 (cited by Ambry Genetics).